The following is an entry in ClinVar:

ClinVar aggregate classification (germline): Likely benign. Review status: criteria provided, multiple submitters, no conflicts (2 of 4 stars). 2 submissions from 2 submitters: Likely benign (2). Last evaluated 2022-12-23.

Conditions:
Charcot-Marie-Tooth disease type 4. Also called: Charcot-Marie-Tooth, Type 4; Charcot-Marie-Tooth disease, type IV. Identifiers: Orphanet 64749, MedGen C4082197, MONDO:0018995.

Allele frequency attached by ClinVar (database versions not stated): gnomAD exomes 0.00001 and 0.00004; ExAC 0.00005; TOPMed 0.00007; ESP Exome Variant Server 0.00015; gnomAD 0.00016; 1000 Genomes Project 0.00020; 1000 Genomes Project 30x 0.00031.
gnomAD v4.1: 32 of 1,613,806 alleles (0.002%); highest among the groups gnomAD compares: African/African-American, 0.028%; no homozygotes.

Submissions (2):

Labcorp Genetics (formerly Invitae), Labcorp
Classification: Likely benign for Charcot-Marie-Tooth disease type 4. Last evaluated: 2022-12-23. Review status: criteria provided, single submitter. Criteria: Invitae Variant Classification Sherloc (09022015). Collection method: clinical testing. Allele origin: germline.

GeneDx
Classification: Likely benign. Last evaluated: 2017-04-19. Review status: criteria provided, single submitter. Criteria: GeneDx Variant Classification (06012015). Collection method: clinical testing. Allele origin: germline. Affected: yes.
Comment: This variant is considered likely benign or benign based on one or more of the following criteria: it is a conservative change, it occurs at a poorly conserved position in the protein, it is predicted to be benign by multiple in silico algorithms, and/or has population frequency not consistent with disease.

NM_001370298.3(FGD4):c.1404+10C>T

Gene: FGD4 (FYVE, RhoGEF and PH domain containing 4; plus strand). Cytogenetic location: 12p11.21.
Variant type: single nucleotide variant.
Coding change: c.1404+10C>T on transcript NM_001370298.3 (MANE Select); 10 bases into the intron after coding-DNA position 1404, C replaced by T.
Molecular consequence: intron variant.
Genome position (GRCh38, 1-based): chr12:32,602,327, C>T. VCF-style: chr12-32602327-C-T. GRCh37 (hg19) VCF-style: chr12-32755261-C-T.
Other names: c.714+10C>T (NM_001330374.2, NM_001330373.2, NM_001384130.1); c.993+10C>T (NM_139241.3, NM_001384127.1, NM_001385118.1 and 1 more transcripts); c.-59+10C>T (NM_001304484.2); c.441+10C>T (NM_001370297.1); c.249+10C>T (NM_001304483.2); c.1404+10C>T (NM_001384126.1); c.1248+10C>T (NM_001304481.2).
Identifiers: ClinVar variation 509005 (VCV000509005.16), dbSNP rs374656859, ClinGen allele CA6506767.